The following is an entry in ClinVar:

NM_001048174.2(MUTYH):c.1409A>G (p.Gln470Arg)

Gene: MUTYH (mutY DNA glycosylase; minus strand). Cytogenetic location: 1p34.1.
Variant type: single nucleotide variant.
Coding change: c.1409A>G on transcript NM_001048174.2 (MANE Select); coding-DNA position 1409, A replaced by G.
Protein change: p.Gln470Arg; replaces glutamine 470 with arginine.
Molecular consequence: missense variant. On other transcripts: non-coding transcript variant (2).
Genome position (GRCh38, 1-based): chr1:45,330,541, T>C on the plus strand (A>G on the coding strand, the complement: MUTYH is on the minus strand). VCF-style: chr1-45330541-T-C. GRCh37 (hg19) VCF-style: chr1-45796213-T-C.
Other names: p.Q498R:CAG>CGG; c.1409A>G, p.Gln470Arg (NM_001048171.2, NM_001048173.2, NM_001293195.2); c.1412A>G, p.Gln471Arg (NM_001048172.2); c.1493A>G, p.Gln498Arg (NM_001128425.2); c.1454A>G, p.Gln485Arg (NM_001293190.2); c.1442A>G, p.Gln481Arg (NM_001293191.2); c.1133A>G, p.Gln378Arg (NM_001293192.2, NM_001293196.2); c.1064A>G, p.Gln355Arg (NM_001350650.2, NM_001350651.2); and 1 more; short protein forms Q498R, Q355R, Q470R, Q481R, Q378R, Q471R, Q485R, Q495R.
Identifiers: ClinVar variation 127840 (VCV000127840.33), dbSNP rs587780085, ClinGen allele CA012941.
Genomic context (GRCh38, chr1:45,330,541, plus strand): 5'-GGGAGACACGGTTGGGAGAGGCCTAGGAGACTTACCATACAGGTCCCTGGCTGTTGGCCC[T>C]GATACACACGGAAAACCTAGACAAGAAGACAGGGAGGTGAGGGCTGGCACTTTTTGCAAA-3'
Protein context (NP_001041639.1, residues 460-480): TAMKKVFRVY[Gln470Arg]GQQPGTCMGS

ClinVar aggregate classification (germline): Conflicting classifications of pathogenicity. Review status: criteria provided, conflicting classifications (1 of 4 stars). 10 submissions from 10 submitters: Uncertain significance (9); Likely benign (1). Last evaluated 2025-12-09.

Conditions:
Hereditary cancer-predisposing syndrome. Also called: Tumor predisposition; Hereditary neoplastic syndrome; Neoplastic Syndromes, Hereditary; Hereditary Cancer Syndrome. Identifiers: Orphanet 140162, MedGen C0027672, MeSH D009386, MONDO:0015356.
Familial adenomatous polyposis 2. Also called: Adenomas, multiple colorectal; MUTYH-associated polyposis; MUTYH-related attenuated familial adenomatous polyposis; MUTYH Polyposis; COLORECTAL ADENOMATOUS POLYPOSIS, AUTOSOMAL RECESSIVE; ADENOMAS, MULTIPLE COLORECTAL, AUTOSOMAL RECESSIVE. Identifiers: Orphanet 220460, Orphanet 247798, MedGen C3272841, MONDO:0012041, OMIM 608456.
Neoplasm of stomach. Also called: Neoplasm of the stomach; Gastric neoplasm; Stomach Neoplasms. Identifiers: MedGen C0038356, MONDO:0021085, HP:0006753. Disease mechanism: gain of function. Inheritance: Somatic mutation.
Pilomatrixoma (PTR). Also called: Pilomatricoma, somatic; PILOMATRICOMA; EPITHELIOMA CALCIFICANS OF MALHERBE. Identifiers: Orphanet 91414, MedGen C0206711, MeSH D018296, MONDO:0007564, OMIM 132600, HP:0030434.

Allele frequency attached by ClinVar (database versions not stated): gnomAD exomes 0.00001 and below 0.00001; gnomAD 0.00001; TOPMed 0.00001.
gnomAD v4.1: 10 of 1,609,400 alleles (0.00062%); highest among the groups gnomAD compares: Non-Finnish European, 0.00085%; no homozygotes.

Submissions (10):

Labcorp Genetics (formerly Invitae), Labcorp
Classification: Uncertain significance for Familial adenomatous polyposis 2. Last evaluated: 2025-12-09. Review status: criteria provided, single submitter. Criteria: Invitae Variant Classification Sherloc (09022015). Collection method: clinical testing. Allele origin: germline.
Comment: This sequence change replaces glutamine, which is neutral and polar, with arginine, which is basic and polar, at codon 498 of the MUTYH protein (p.Gln498Arg). The frequency data for this variant in the population databases is considered unreliable, as metrics indicate poor data quality at this position in the gnomAD database. This missense change has been observed in individual(s) with clinical features of MUTYH-related conditions (PMID: 10612827). This variant is also known as c.1451A>G (p.Gln484Arg). ClinVar contains an entry for this variant (Variation ID: 127840). An algorithm developed to predict the effect of missense changes on protein structure and function (PolyPhen-2) suggests that this variant is likely to be tolerated. In summary, the available evidence is currently insufficient to determine the role of this variant in disease. Therefore, it has been classified as a Variant of Uncertain Significance.

Ambry Genetics
Classification: Likely benign for Hereditary cancer-predisposing syndrome. Last evaluated: 2024-08-22. Review status: criteria provided, single submitter. Criteria: Ambry Variant Classification Scheme 2023. Collection method: clinical testing. Allele origin: germline.

Institute for Biomarker Research, Medical Diagnostic Laboratories, L.L.C.
Classification: Uncertain significance for Hereditary cancer-predisposing syndrome. Last evaluated: 2024-06-11. Review status: criteria provided, single submitter. Criteria: ACMG Guidelines, 2015. Collection method: clinical testing. Allele origin: germline.

All of Us Research Program, National Institutes of Health
Classification: Uncertain significance for Familial adenomatous polyposis 2. Last evaluated: 2023-10-27. Review status: criteria provided, single submitter. Criteria: ACMG Guidelines, 2015. Collection method: clinical testing. Allele origin: germline. Inheritance: Autosomal recessive inheritance. Observed: 5 variant alleles, 5 heterozygotes.
Comment: This missense variant replaces glutamine with arginine at codon 498 of the MUTYH protein. Computational prediction suggests that this variant may not impact protein structure and function (internally defined REVEL score threshold <= 0.5, PMID: 27666373). To our knowledge, functional studies have not been reported for this variant. In a large international case-control study, this variant was reported in 1/60466 breast cancer cases and absent in 53461 controls (PMID: 33471991). This variant has been identified in 1/242852 chromosomes in the general population by the Genome Aggregation Database (gnomAD). The available evidence is insufficient to determine the role of this variant in disease conclusively. Therefore, this variant is classified as a Variant of Uncertain Significance.

This study involves interpretation of variants in research participants for the purpose of population health screening. Participant phenotype was not available at the time of variant classification. Additional details can be found in publication PMID: 35346344, PMCID: PMC8962531

Quest Diagnostics Nichols Institute San Juan Capistrano
Classification: Uncertain significance. Last evaluated: 2023-10-20. Review status: criteria provided, single submitter. Criteria: Quest Diagnostics criteria. Collection method: clinical testing. Allele origin: unknown.
Comment: The MUTYH c.1493A>G (p.Gln498Arg) variant has been reported in the published literature in an individual with breast cancer (PMID: 33471991 (2021), see also LOVD). The frequency of this variant in the general population, 0.0000041 (1/242852 chromosomes (Genome Aggregation Database)), is uninformative in the assessment of its pathogenicity. Analysis of this variant using bioinformatics tools for the prediction of the effect of amino acid changes on protein structure and function yielded predictions that this variant is benign. Based on the available information, we are unable to determine the clinical significance of this variant.

Baylor Genetics
Classification: Uncertain significance for Familial adenomatous polyposis 2. Last evaluated: 2023-10-15. Review status: criteria provided, single submitter. Criteria: ACMG Guidelines, 2015. Collection method: clinical testing. Allele origin: unknown.

Color Diagnostics, LLC DBA Color Health
Classification: Uncertain significance for Hereditary cancer-predisposing syndrome. Last evaluated: 2023-03-01. Review status: criteria provided, single submitter. Criteria: ACMG Guidelines, 2015. Collection method: clinical testing. Allele origin: germline.
Comment: This missense variant replaces glutamine with arginine at codon 498 of the MUTYH protein. Computational prediction suggests that this variant may not impact protein structure and function (internally defined REVEL score threshold <= 0.5, PMID: 27666373). To our knowledge, functional studies have not been reported for this variant. In a large international case-control study, this variant was reported in 1/60466 breast cancer cases and absent in 53461 controls (PMID: 33471991). This variant has been identified in 1/242852 chromosomes in the general population by the Genome Aggregation Database (gnomAD). The available evidence is insufficient to determine the role of this variant in disease conclusively. Therefore, this variant is classified as a Variant of Uncertain Significance.

GeneDx
Classification: Uncertain significance. Last evaluated: 2021-12-01. Review status: criteria provided, single submitter. Criteria: GeneDx Variant Classification Process June 2021. Collection method: clinical testing. Allele origin: germline. Affected: yes.
Comment: Not observed at significant frequency in large population cohorts (Lek 2016); In silico analysis supports that this missense variant does not alter protein structure/function; Has not been previously published as pathogenic or benign to our knowledge; This variant is associated with the following publications: (PMID: 16645203, 10612827, 23108399)

Sema4
Classification: Uncertain significance for Hereditary cancer-predisposing syndrome. Last evaluated: 2021-09-20. Review status: criteria provided, single submitter. Criteria: Sema4 Curation Guidelines. Collection method: curation. Allele origin: germline.
Comment: The MUTYH c.1493A>G (p.Q498R) variant has been reported in heterozygosity in one individual with breast cancer in a large case-control study (PMID: 33471991). It was observed in 1/109394 chromosomes of the Non-Finnish European subpopulation in the large and broad cohorts of the Genome Aggregation Database (PMID: 32461654). The variant has been reported in ClinVar (Variation ID: 127840). Functional studies have not been performed, and in silico predictions of the variant's effect on protein function are inconclusive. The evidence is insufficient to meet ACMG/AMP criteria for classifying the variant as benign or pathogenic. Thus, the clinical significance of this variant is currently uncertain.

Fulgent Genetics
Classification: Uncertain significance for Pilomatrixoma; Familial adenomatous polyposis 2; Gastric cancer. Last evaluated: 2018-10-31. Review status: criteria provided, single submitter. Criteria: ACMG Guidelines, 2015. Collection method: clinical testing. Allele origin: unknown.

Literature cited by the submitters: PubMed 10612827 (cited by Labcorp Genetics (formerly Invitae), Labcorp); PubMed 16645203 (cited by Ambry Genetics); PubMed 33471991 (cited by 4 submitters).